The following is an entry in ClinVar:

ClinVar aggregate classification (germline): Pathogenic. Review status: criteria provided, single submitter (1 of 4 stars). 2 submissions from 2 submitters: Pathogenic (1). 1 of the submissions does not count toward it. Last evaluated 2023-10-26.

Conditions:
Camptomelic dysplasia (CMPD). Also called: Campomelic Dysplasia; CMPD1/SRA1. Identifiers: Orphanet 140, MedGen C1861922, MONDO:0007251, OMIM 114290.
CAMPOMELIC DYSPLASIA WITH AUTOSOMAL SEX REVERSAL. Identifiers: MedGen C1842462, OMIM 114290.

Submissions (2):

Labcorp Genetics (formerly Invitae), Labcorp
Classification: Pathogenic for Camptomelic dysplasia. Last evaluated: 2023-10-26. Review status: criteria provided, single submitter. Criteria: Invitae Variant Classification Sherloc (09022015). Collection method: clinical testing. Allele origin: germline.
Comment: This sequence change replaces alanine, which is neutral and non-polar, with threonine, which is neutral and polar, at codon 158 of the SOX9 protein (p.Ala158Thr). This variant is not present in population databases (gnomAD no frequency). This missense change has been observed in individual(s) with campomelic dysplasia (PMID: 11323423; Invitae). In at least one individual the variant was observed to be de novo. ClinVar contains an entry for this variant (Variation ID: 2517). Advanced modeling of protein sequence and biophysical properties (such as structural, functional, and spatial information, amino acid conservation, physicochemical variation, residue mobility, and thermodynamic stability) performed at Invitae indicates that this missense variant is expected to disrupt SOX9 protein function with a positive predictive value of 80%. Experimental studies have shown that this missense change affects SOX9 function (PMID: 11323423, 12810722, 21412441). This variant disrupts the p.Ala158 amino acid residue in SOX9. Other variant(s) that disrupt this residue have been observed in individuals with SOX9-related conditions (PMID: 26078652), which suggests that this may be a clinically significant amino acid residue. For these reasons, this variant has been classified as Pathogenic.

OMIM
Classification: Pathogenic for CAMPOMELIC DYSPLASIA WITH AUTOSOMAL SEX REVERSAL. Last evaluated: 2001-07-27. Review status: no assertion criteria provided. Collection method: literature only. Allele origin: germline. Not counted in ClinVar's aggregate classification.

Literature cited by the submitters: PubMed 11323423 (cited by Labcorp Genetics (formerly Invitae), Labcorp and OMIM); PubMed 12810722 (cited by Labcorp Genetics (formerly Invitae), Labcorp); PubMed 21412441 (cited by Labcorp Genetics (formerly Invitae), Labcorp); PubMed 26078652 (cited by Labcorp Genetics (formerly Invitae), Labcorp).

NM_000346.4(SOX9):c.472G>A (p.Ala158Thr)

Gene: SOX9 (SRY-box transcription factor 9; plus strand). Cytogenetic location: 17q24.3.
Variant type: single nucleotide variant.
Coding change: c.472G>A on transcript NM_000346.4 (MANE Select); coding-DNA position 472, G replaced by A.
Protein change: p.Ala158Thr; replaces alanine 158 with threonine.
Molecular consequence: missense variant.
Genome position (GRCh38, 1-based): chr17:72,122,759, G>A. VCF-style: chr17-72122759-G-A. GRCh37 (hg19) VCF-style: chr17-70118900-G-A.
Other names: short protein forms A158T.
Identifiers: ClinVar variation 2517 (VCV000002517.9), dbSNP rs137853130, ClinGen allele CA115588.